The following is an entry in ClinVar:

ClinVar aggregate classification (germline): Uncertain significance. Review status: criteria provided, multiple submitters, no conflicts (2 of 4 stars). 2 submissions from 2 submitters: Uncertain significance (2). Last evaluated 2025-11-20.

Conditions:
ADGRV1-related disorder. Also called: ADGRV1-related condition; ADGRV1-related disorders.

gnomAD v4.1: 1 of 1,528,566 alleles (0.000065%); highest among the groups gnomAD compares: Non-Finnish European, 0.000091%; no homozygotes.

Submissions (2):

3billion
Classification: Uncertain significance for ADGRV1-related disorder. Last evaluated: 2025-11-20. Review status: criteria provided, single submitter. Criteria: ACMG Guidelines, 2015. Collection method: clinical testing. Allele origin: germline. Affected: yes.
Comment: The variant is observed at an extremely low frequency in the gnomAD v4.1.0 dataset (total allele frequency: <0.001%). Predicted Consequence/Location: Missense variant. The majority of the known disease-causing variants of this gene are variants expected to result in premature termination of the protein. The same nucleotide change resulting in the same amino acid change has been previously reported to be associated with ADGRV1-related disorder (PMID: 26969326). However, the evidence of pathogenicity is insufficient at this time. Therefore, this variant is classified as VUS according to the recommendation of ACMG/AMP guideline.

Women's Health and Genetics/Laboratory Corporation of America, LabCorp
Classification: Uncertain significance. Last evaluated: 2025-03-25. Review status: criteria provided, single submitter. Criteria: LabCorp Variant Classification Summary - May 2015. Collection method: clinical testing. Allele origin: germline.
Comment: Variant summary: ADGRV1 c.12394C>G (p.Pro4132Ala) results in a non-conservative amino acid change in the encoded protein sequence. Four of five in-silico tools predict a damaging effect of the variant on protein function. The variant was absent in 246934 control chromosomes. The available data on variant occurrences in the general population are insufficient to allow any conclusion about variant significance. c.12394C>G has been reported in the literature in at least one individual affected with hearing loss (Sloan-Heggen_2016_2016). These report(s) do not provide unequivocal conclusions about association of the variant with Usher Syndrome. To our knowledge, no experimental evidence demonstrating an impact on protein function has been reported. The following publication have been ascertained in the context of this evaluation (PMID: 26969326). No submitters have cited clinical-significance assessments for this variant to ClinVar. Based on the evidence outlined above, the variant was classified as uncertain significance.

Literature cited by the submitters: PubMed 26969326 (cited by 3billion and Women's Health and Genetics/Laboratory Corporation of America, LabCorp).

NM_032119.4(ADGRV1):c.12394C>G (p.Pro4132Ala)

Gene: ADGRV1 (adhesion G protein-coupled receptor V1; plus strand). Cytogenetic location: 5q14.3.
Variant type: single nucleotide variant.
Coding change: c.12394C>G on transcript NM_032119.4 (MANE Select); coding-DNA position 12394, C replaced by G.
Protein change: p.Pro4132Ala; replaces proline 4132 with alanine.
Molecular consequence: missense variant. On other transcripts: non-coding transcript variant (1).
Genome position (GRCh38, 1-based): chr5:90,774,294, C>G. VCF-style: chr5-90774294-C-G. GRCh37 (hg19) VCF-style: chr5-90070111-C-G.
Other names: short protein forms P4132A.
Identifiers: ClinVar variation 3895963 (VCV003895963.2).